The following is an entry in ClinVar:

ClinVar aggregate classification (germline): Uncertain significance (1 of 4 stars; one submission).

Conditions:
Primary ciliary dyskinesia. Also called: Ciliary dyskinesia. Identifiers: Orphanet 244, MedGen C0008780, MONDO:0016575, HP:0012265.

Allele frequency attached by ClinVar (database versions not stated): TOPMed 0.00002.
gnomAD v4.1: 3 of 1,614,124 alleles (0.00019%); highest among the groups gnomAD compares: East Asian, 0.0067%; no homozygotes.

Submission:

Labcorp Genetics (formerly Invitae), Labcorp
Classification: Uncertain significance for Primary ciliary dyskinesia. Last evaluated: 2022-05-30. Review status: criteria provided, single submitter. Criteria: Invitae Variant Classification Sherloc (09022015). Collection method: clinical testing. Allele origin: germline.
Comment: This sequence change replaces alanine, which is neutral and non-polar, with proline, which is neutral and non-polar, at codon 149 of the DNAAF1 protein (p.Ala149Pro). This variant is present in population databases (rs749082639, gnomAD 0.02%). In summary, the available evidence is currently insufficient to determine the role of this variant in disease. Therefore, it has been classified as a Variant of Uncertain Significance. Algorithms developed to predict the effect of missense changes on protein structure and function (SIFT, PolyPhen-2, Align-GVGD) all suggest that this variant is likely to be tolerated. This variant has not been reported in the literature in individuals affected with DNAAF1-related conditions.

NM_178452.6(DNAAF1):c.445G>C (p.Ala149Pro)

Gene: DNAAF1 (dynein axonemal assembly factor 1; plus strand). Cytogenetic location: 16q24.1.
Variant type: single nucleotide variant.
Coding change: c.445G>C on transcript NM_178452.6 (MANE Select); coding-DNA position 445, G replaced by C.
Protein change: p.Ala149Pro; replaces alanine 149 with proline.
Molecular consequence: missense variant.
Genome position (GRCh38, 1-based): chr16:84,154,669, G>C. VCF-style: chr16-84154669-G-C. GRCh37 (hg19) VCF-style: chr16-84188274-G-C.
Other names: short protein forms A149P.
Identifiers: ClinVar variation 2054524 (VCV002054524.4), dbSNP rs749082639, ClinGen allele CA8202496.